The following is an entry in ClinVar:

NM_000069.3(CACNA1S):c.209T>C (p.Val70Ala)

Gene: CACNA1S (calcium voltage-gated channel subunit alpha1 S; minus strand). Cytogenetic location: 1q32.1.
Variant type: single nucleotide variant.
Coding change: c.209T>C on transcript NM_000069.3 (MANE Select); coding-DNA position 209, T replaced by C.
Protein change: p.Val70Ala; replaces valine 70 with alanine.
Molecular consequence: missense variant.
Genome position (GRCh38, 1-based): chr1:201,110,213, A>G on the plus strand (T>C on the coding strand, the complement: CACNA1S is on the minus strand). VCF-style: chr1-201110213-A-G. GRCh37 (hg19) VCF-style: chr1-201079341-A-G.
Other names: short protein forms V70A.
Identifiers: ClinVar variation 937147 (VCV000937147.10), dbSNP rs747599178, ClinGen allele CA078806.
Genomic context (GRCh38, chr1:201,110,213, plus strand): 5'-GCCAATCTTACCAGGCCGAGGTTCAGAGAGTTGTTGTCATCTTCCGGCATGGGCAGGTAC[A>G]CGGCCAGGGCCACACAATTGGCAAAGATGGTGAGCAAGATGATCGTCTCGAAGGGCCTGG-3'
Protein context (NP_000060.2, residues 60-80): TIFANCVALA[Val70Ala]YLPMPEDDNN

ClinVar aggregate classification (germline): Uncertain significance (1 of 4 stars; one submission).

Conditions:
Hypokalemic periodic paralysis, type 1. Also called: HypoPP; Hypokalemic Periodic Paralysis Type 1 (AD). Identifiers: Orphanet 681, MedGen C3714580, MONDO:0042979, OMIM 170400.
Malignant hyperthermia, susceptibility to, 5 (MHS5). Also called: CACNA1S-Related Malignant Hyperthermia Susceptibility. Identifiers: Orphanet 423, MedGen C1866077, MONDO:0011163, OMIM 601887.

Allele frequency attached by ClinVar (database versions not stated): gnomAD exomes below 0.00001 and 0.00001; ExAC 0.00002.

Submission:

Labcorp Genetics (formerly Invitae), Labcorp
Classification: Uncertain significance for Hypokalemic periodic paralysis, type 1; Malignant hyperthermia, susceptibility to, 5. Last evaluated: 2019-08-23. Review status: criteria provided, single submitter. Criteria: Invitae Variant Classification Sherloc (09022015). Collection method: clinical testing. Allele origin: germline.
Comment: In summary, the available evidence is currently insufficient to determine the role of this variant in disease. Therefore, it has been classified as a Variant of Uncertain Significance. Algorithms developed to predict the effect of missense changes on protein structure and function output the following: SIFT: "Deleterious"; PolyPhen-2: "Benign"; Align-GVGD: "Class C0". The alanine amino acid residue is found in multiple mammalian species, suggesting that this missense change does not adversely affect protein function. These predictions have not been confirmed by published functional studies and their clinical significance is uncertain. This variant has not been reported in the literature in individuals with CACNA1S-related conditions. This variant is present in population databases (rs747599178, ExAC 0.02%). This sequence change replaces valine with alanine at codon 70 of the CACNA1S protein (p.Val70Ala). The valine residue is moderately conserved and there is a small physicochemical difference between valine and alanine.